The following is an entry in ClinVar:

ClinVar aggregate classification (germline): Likely pathogenic. Review status: criteria provided, single submitter (1 of 4 stars). 2 submissions from 2 submitters: Likely pathogenic (1). 1 of the submissions does not count toward it. Last evaluated 2021-06-30.

Conditions:
Adenine phosphoribosyltransferase deficiency (APRTD). Also called: APRT DEFICIENCY; NEPHROLITHIASIS, DHA; Urolithiasis, dha; 2,8-dihydroxyadenine urolithiasis. Identifiers: Orphanet 976, MedGen C0268120, MONDO:0013869, OMIM 614723.

Submissions (2):

Fulgent Genetics
Classification: Likely pathogenic for Adenine phosphoribosyltransferase deficiency. Last evaluated: 2021-06-30. Review status: criteria provided, single submitter. Criteria: ACMG Guidelines, 2015. Collection method: clinical testing. Allele origin: unknown.
Comment: This variant has been detected in individual(s) who were sent for testing of Renasight - kidney gene panel.

APRT Deficiency Research Program of the Rare Kidney Stone Consortium, Landspitali, National University Hospital of Iceland
Classification: Pathogenic for Adenine phosphoribosyltransferase deficiency. Last evaluated: 2020-09-01. Review status: no assertion criteria provided. Collection method: literature only. Allele origin: germline. Affected: yes. Not counted in ClinVar's aggregate classification.

Literature cited by the submitters: DOI 10.1036/ommbid.136 (cited by APRT Deficiency Research Program of the Rare Kidney Stone Consortium, Landspitali, National University Hospital of Iceland).

NM_000485.3(APRT):c.280_286del (p.Gly94fs)

Gene: APRT (adenine phosphoribosyltransferase; minus strand). Cytogenetic location: 16q24.3.
Variant type: Deletion.
Coding change: c.280_286del on transcript NM_000485.3 (MANE Select); coding-DNA positions 280 to 286, 7 bases deleted (GGCCCCA; older notation c.280_286delGGCCCCA).
Protein change: p.Gly94fs; shifts the reading frame from glycine 94.
Molecular consequence: frameshift variant.
Genome position (GRCh38, 1-based): chr16:88,810,458-88,810,464, TGGGGCC deleted on the plus strand (GGCCCCA on the coding strand, the reverse complement: APRT is on the minus strand); deleting any 7 consecutive bases within chr16:88,810,458-88,810,467 gives the same sequence; the c. name uses the placement nearest the transcript's 3' end. VCF-style (leftmost placement, unchanged base first): chr16-88810457-GTGGGGCC-G. GRCh37 (hg19) VCF-style: chr16-88876865-GTGGGGCC-G.
Other names: c.280_286del, p.Gly94fs (NM_001030018.2); short protein forms G94fs.
Identifiers: ClinVar variation 988051 (VCV000988051.3), dbSNP rs776240467, ClinGen allele CA8234485.